The following is an entry in ClinVar:

NM_006118.4(HAX1):c.557-1G>A

Gene: HAX1 (HCLS1 associated protein X-1; plus strand). Cytogenetic location: 1q21.3.
Variant type: single nucleotide variant.
Coding change: c.557-1G>A on transcript NM_006118.4 (MANE Select); the canonical splice acceptor site of the intron before coding-DNA position 557, G replaced by A.
Molecular consequence: splice acceptor variant.
Genome position (GRCh38, 1-based): chr1:154,275,153, G>A. VCF-style: chr1-154275153-G-A. GRCh37 (hg19) VCF-style: chr1-154247629-G-A.
Other names: c.413-1G>A (NM_001018837.2).
Identifiers: ClinVar variation 2092204 (VCV002092204.4), dbSNP rs1684904805, ClinGen allele CA342593527.
Genomic context (GRCh38, chr1:154,275,153, plus strand): 5'-TTGTCTCCTTTTTTCCTTTGGACTCTTTCTCTCCTGCTTCTTCATCTCTCTGCTCTTCCA[G>A]ATCTTGATTCCCAGGTTTCCCAGGAGGGTCTTGGCCCGGTTCTACAGCCCCAGCCCAAAT-3'

ClinVar aggregate classification (germline): Likely pathogenic (1 of 4 stars; one submission).

Conditions:
Kostmann syndrome (SCN3). Also called: Autosomal recessive severe congenital neutropenia type 3; KOSTMANN DISEASE. Identifiers: Orphanet 99749, MedGen C5235141, MONDO:0012548, OMIM 610738.

Allele frequency attached by ClinVar (database versions not stated): TOPMed below 0.00001.

Submission:

Labcorp Genetics (formerly Invitae), Labcorp
Classification: Likely pathogenic for Kostmann syndrome. Last evaluated: 2024-03-04. Review status: criteria provided, single submitter. Criteria: Invitae Variant Classification Sherloc (09022015). Collection method: clinical testing. Allele origin: germline.
Comment: This sequence change affects an acceptor splice site in intron 4 of the HAX1 gene. It is expected to disrupt RNA splicing. Variants that disrupt the donor or acceptor splice site typically lead to a loss of protein function (PMID: 16199547), and loss-of-function variants in HAX1 are known to be pathogenic (PMID: 17187068). This variant is not present in population databases (gnomAD no frequency). This variant has not been reported in the literature in individuals affected with HAX1-related conditions. ClinVar contains an entry for this variant (Variation ID: 2092204). Algorithms developed to predict the effect of sequence changes on RNA splicing suggest that this variant may disrupt the consensus splice site. In summary, the currently available evidence indicates that the variant is pathogenic, but additional data are needed to prove that conclusively. Therefore, this variant has been classified as Likely Pathogenic.

Literature cited by the submitters: PubMed 16199547; PubMed 17187068.